The following is an entry in ClinVar:

NM_006514.4(SCN10A):c.542A>C (p.Glu181Ala)

Gene: SCN10A (sodium voltage-gated channel alpha subunit 10; minus strand). Cytogenetic location: 3p22.2.
Variant type: single nucleotide variant.
Coding change: c.542A>C on transcript NM_006514.4 (MANE Select); coding-DNA position 542, A replaced by C.
Protein change: p.Glu181Ala; replaces glutamic acid 181 with alanine.
Molecular consequence: missense variant.
Genome position (GRCh38, 1-based): chr3:38,771,336, T>G on the plus strand (A>C on the coding strand, the complement: SCN10A is on the minus strand). VCF-style: chr3-38771336-T-G. GRCh37 (hg19) VCF-style: chr3-38812827-T-G.
Other names: c.542A>C (NM_006514.2); c.542A>C, p.Glu181Ala (NM_001293306.2, NM_001293307.2); short protein forms E181A.
Identifiers: ClinVar variation 532072 (VCV000532072.10), dbSNP rs142203439, ClinGen allele CA2321170.

ClinVar aggregate classification (germline): Conflicting classifications of pathogenicity. Review status: criteria provided, conflicting classifications (1 of 4 stars). 4 submissions from 4 submitters: Uncertain significance (2); Likely benign (2). Last evaluated 2026-01-25.

Conditions:
Cardiovascular phenotype. Identifiers: MedGen CN230736.
Brugada syndrome. Also called: Sudden unexpected nocturnal death syndrome; Sudden unexplained nocturnal death syndrome; Sudden Unexplained Death Syndrome; Sudden Unexplained Nocturnal Death Syndrome (SUNDS). Identifiers: Orphanet 130, MedGen C1142166, MONDO:0015263.
SCN10A-related disorder. Also called: SCN10A-related condition.

Allele frequency attached by ClinVar (database versions not stated): ESP Exome Variant Server 0.00015; 1000 Genomes Project 30x 0.00016; 1000 Genomes Project 0.00020; TOPMed 0.00025.
gnomAD v4.1: 70 of 1,614,152 alleles (0.0043%); highest among the groups gnomAD compares: African/African-American, 0.076%; no homozygotes.

Submissions (4):

PreventionGenetics, part of Exact Sciences
Classification: Likely benign for SCN10A-related condition. Last evaluated: 2026-01-25. Review status: criteria provided, single submitter. Criteria: ACMG Guidelines, 2015. Collection method: clinical testing. Allele origin: germline.
Comment: This variant is classified as likely benign based on ACMG/AMP sequence variant interpretation guidelines (Richards et al. 2015 PMID: 25741868, with internal and published modifications).

Labcorp Genetics (formerly Invitae), Labcorp
Classification: Uncertain significance for Brugada syndrome. Last evaluated: 2025-12-20. Review status: criteria provided, single submitter. Criteria: Invitae Variant Classification Sherloc (09022015). Collection method: clinical testing. Allele origin: germline.
Comment: This sequence change replaces glutamic acid, which is acidic and polar, with alanine, which is neutral and non-polar, at codon 181 of the SCN10A protein (p.Glu181Ala). This variant is present in population databases (rs142203439, gnomAD 0.07%). This variant has not been reported in the literature in individuals affected with SCN10A-related conditions. ClinVar contains an entry for this variant (Variation ID: 532072). An algorithm developed to predict the effect of missense changes on protein structure and function (PolyPhen-2) suggests that this variant is likely to be disruptive. In summary, the available evidence is currently insufficient to determine the role of this variant in disease. Therefore, it has been classified as a Variant of Uncertain Significance.

GeneDx
Classification: Uncertain significance. Last evaluated: 2025-03-11. Review status: criteria provided, single submitter. Criteria: GeneDx Variant Classification Process June 2021. Collection method: clinical testing. Allele origin: germline. Affected: yes.
Comment: Has not been previously published as pathogenic or benign to our knowledge; In silico analysis indicates that this missense variant does not alter protein structure/function

Ambry Genetics
Classification: Likely benign for Cardiovascular phenotype. Last evaluated: 2021-07-29. Review status: criteria provided, single submitter. Criteria: Ambry Variant Classification Scheme 2023. Collection method: clinical testing. Allele origin: germline.